The following is an entry in ClinVar:

ClinVar aggregate classification (germline): Uncertain significance (1 of 4 stars; one submission).

Conditions:
Inborn genetic diseases. Identifiers: MedGen C0950123, MeSH D030342.

gnomAD v4.1: 2 of 1,614,040 alleles (0.00012%); highest among the groups gnomAD compares: Non-Finnish European, 0.00017%; no homozygotes.

Submission:

Ambry Genetics
Classification: Uncertain significance for Inborn genetic diseases. Last evaluated: 2025-06-13. Review status: criteria provided, single submitter. Criteria: Ambry Variant Classification Scheme 2023. Collection method: clinical testing. Allele origin: germline.
Comment: The p.L367S variant (also known as c.1100T>C), located in coding exon 9 of the CEP57 gene, results from a T to C substitution at nucleotide position 1100. The leucine at codon 367 is replaced by serine, an amino acid with dissimilar properties. This amino acid position is conserved. In addition, this alteration is predicted to be deleterious by in silico analysis. Based on the available evidence, the clinical significance of this variant remains unclear.

NM_014679.5(CEP57):c.1100T>C (p.Leu367Ser)

Gene: CEP57 (centrosomal protein 57; plus strand). Cytogenetic location: 11q21.
Variant type: single nucleotide variant.
Coding change: c.1100T>C on transcript NM_014679.5 (MANE Select); coding-DNA position 1100, T replaced by C.
Protein change: p.Leu367Ser; replaces leucine 367 with serine.
Molecular consequence: missense variant.
Genome position (GRCh38, 1-based): chr11:95,828,000, T>C. VCF-style: chr11-95828000-T-C. GRCh37 (hg19) VCF-style: chr11-95561164-T-C.
Other names: c.1073T>C, p.Leu358Ser (NM_001243776.2); c.1022T>C, p.Leu341Ser (NM_001243777.2); c.1019T>C, p.Leu340Ser (NM_001363604.2); short protein forms L367S, L340S, L341S, L358S.
Identifiers: ClinVar variation 4001085 (VCV004001085.1).